The following is an entry in ClinVar:

NM_001166108.2(PALLD):c.1427G>A (p.Arg476Gln)

Gene: PALLD (palladin, cytoskeletal associated protein; plus strand). Cytogenetic location: 4q32.3.
Variant type: single nucleotide variant.
Coding change: c.1427G>A on transcript NM_001166108.2 (MANE Select); coding-DNA position 1427, G replaced by A.
Protein change: p.Arg476Gln; replaces arginine 476 with glutamine.
Molecular consequence: missense variant.
Genome position (GRCh38, 1-based): chr4:168,690,694, G>A. VCF-style: chr4-168690694-G-A. GRCh37 (hg19) VCF-style: chr4-169611845-G-A.
Other names: c.281G>A, p.Arg94Gln (NM_001166109.2); c.1427G>A, p.Arg476Gln (NM_016081.4); short protein forms R94Q, R476Q.
Identifiers: ClinVar variation 2447407 (VCV002447407.3), dbSNP rs768538351, ClinGen allele CA3135609.
Genomic context (GRCh38, chr4:168,690,694, plus strand): 5'-AGGTGGTGGTTCTGGAGTGCCGGGTCCGTGGGGCACCCCCTCTGCAGGTCCAGTGGTTTC[G>A]GCAAGGGAGTGAAATCCAAGACTCTCCAGATTTCCGAATTCTACAGAAAAGTAAGGAGAA-3'
Protein context (NP_001159580.1, residues 466-486): GAPPLQVQWF[Arg476Gln]QGSEIQDSPD

ClinVar aggregate classification (germline): Uncertain significance. Review status: criteria provided, multiple submitters, no conflicts (2 of 4 stars). 2 submissions from 2 submitters: Uncertain significance (2). Last evaluated 2023-03-06.

Conditions:
PALLD-related disorder. Also called: PALLD-related condition.

Allele frequency attached by ClinVar (database versions not stated): TOPMed below 0.00001; ExAC 0.00002; gnomAD 0.00002.
gnomAD v4.1: 23 of 1,614,006 alleles (0.0014%); highest among the groups gnomAD compares: African/African-American, 0.0027%; no homozygotes.

Submissions (2):

PreventionGenetics, part of Exact Sciences
Classification: Uncertain significance for PALLD-related condition. Last evaluated: 2023-03-06. Review status: criteria provided, single submitter. Criteria: ACMG Guidelines, 2015. Collection method: clinical testing. Allele origin: germline.
Comment: The PALLD c.1427G>A variant is predicted to result in the amino acid substitution p.Arg476Gln. To our knowledge, this variant has not been reported in the literature. This variant is reported in 0.0050% of alleles in individuals of East Asian descent in gnomAD. At this time, the clinical significance of this variant is uncertain due to the absence of conclusive functional and genetic evidence.

Ambry Genetics
Classification: Uncertain significance. Last evaluated: 2022-11-26. Review status: criteria provided, single submitter. Criteria: Ambry Variant Classification Scheme 2023. Collection method: clinical testing. Allele origin: germline.
Comment: The p.R476Q variant (also known as c.1427G>A), located in coding exon 6 of the PALLD gene, results from a G to A substitution at nucleotide position 1427. The arginine at codon 476 is replaced by glutamine, an amino acid with highly similar properties. This amino acid position is conserved. In addition, the in silico prediction for this alteration is inconclusive. Since supporting evidence is limited at this time, the clinical significance of this alteration remains unclear.